The following is an entry in ClinVar:

NM_031885.5(BBS2):c.142C>T (p.Arg48Trp)

Gene: BBS2 (Bardet-Biedl syndrome 2; minus strand). Cytogenetic location: 16q13.
Variant type: single nucleotide variant.
Coding change: c.142C>T on transcript NM_031885.5 (MANE Select); coding-DNA position 142, C replaced by T.
Protein change: p.Arg48Trp; replaces arginine 48 with tryptophan.
Molecular consequence: missense variant. On other transcripts: non-coding transcript variant (5).
Genome position (GRCh38, 1-based): chr16:56,514,656, G>A on the plus strand (C>T on the coding strand, the complement: BBS2 is on the minus strand). VCF-style: chr16-56514656-G-A. GRCh37 (hg19) VCF-style: chr16-56548568-G-A.
Other names: c.142C>T, p.Arg48Trp (NM_001377456.1); c.142C>T (NM_031885.3); short protein forms R48W.
Identifiers: ClinVar variation 989966 (VCV000989966.4), dbSNP rs1030249829, ClinGen allele CA281485865.

ClinVar aggregate classification (germline): Uncertain significance. Review status: criteria provided, multiple submitters, no conflicts (2 of 4 stars). 4 submissions from 4 submitters: Uncertain significance (2). 2 of the submissions do not count toward it. Last evaluated 2024-03-28.

Conditions:
Retinitis pigmentosa 74 (RP74). Identifiers: Orphanet 791, MedGen C4225281, MONDO:0014692, OMIM 616562.
Bardet-Biedl syndrome 2 (BBS2). Identifiers: Orphanet 110, MedGen C2936863, MONDO:0014432, OMIM 615981.
BBS2-related disorder. Also called: BBS2-related condition; BBS2-related disorders. Identifiers: MedGen CN239228.

Allele frequency attached by ClinVar (database versions not stated): TOPMed below 0.00001; gnomAD exomes 0.00001.
gnomAD v4.1: 7 of 1,613,764 alleles (0.00043%); highest among the groups gnomAD compares: Admixed American, 0.0017%; no homozygotes.

Submissions (4):

Blueprint Genetics
Classification: Uncertain significance. Last evaluated: 2024-03-28. Review status: criteria provided, single submitter. Criteria: ACMG Guidelines, 2015. Collection method: clinical testing. Allele origin: germline.

Fulgent Genetics
Classification: Uncertain significance for Bardet-Biedl syndrome 2; Retinitis pigmentosa 74. Last evaluated: 2021-11-01. Review status: criteria provided, single submitter. Criteria: ACMG Guidelines, 2015. Collection method: clinical testing. Allele origin: unknown.

PreventionGenetics, part of Exact Sciences
Classification: Uncertain significance for BBS2-related condition. Last evaluated: 2023-12-08. Review status: no assertion criteria provided. Collection method: clinical testing. Allele origin: germline. Not counted in ClinVar's aggregate classification.
Comment: The BBS2 c.142C>T variant is predicted to result in the amino acid substitution p.Arg48Trp. To our knowledge, this variant has not been reported in the literature or in a large population database, indicating this variant is rare. At this time, the clinical significance of this variant is uncertain due to the absence of conclusive functional and genetic evidence.

Natera, Inc.
Classification: Uncertain significance for Bardet-Biedl syndrome type 2. Last evaluated: 2020-08-14. Review status: no assertion criteria provided. Collection method: clinical testing. Allele origin: germline. Not counted in ClinVar's aggregate classification.